The following is an entry in ClinVar:

ClinVar aggregate classification (germline): Uncertain significance (1 of 4 stars; one submission).

Conditions:
Bethlem myopathy 1A. Also called: MYOPATHY, BENIGN CONGENITAL, WITH CONTRACTURES; Bethlem myopathy 1; Bethlem Muscular Dystrophy. Identifiers: Orphanet 610, MedGen CN029274, MONDO:0024530, OMIM 158810.

Allele frequency attached by ClinVar (database versions not stated): gnomAD exomes below 0.00001.
gnomAD v4.1: 7 of 1,614,200 alleles (0.00043%); highest among the groups gnomAD compares: Non-Finnish European, 0.00059%; no homozygotes.

Submission:

Labcorp Genetics (formerly Invitae), Labcorp
Classification: Uncertain significance for Bethlem myopathy 1A. Last evaluated: 2024-02-05. Review status: criteria provided, single submitter. Criteria: Invitae Variant Classification Sherloc (09022015). Collection method: clinical testing. Allele origin: germline.
Comment: This sequence change replaces isoleucine, which is neutral and non-polar, with threonine, which is neutral and polar, at codon 188 of the COL6A3 protein (p.Ile188Thr). This variant is not present in population databases (gnomAD no frequency). This variant has not been reported in the literature in individuals affected with COL6A3-related conditions. Advanced modeling of protein sequence and biophysical properties (such as structural, functional, and spatial information, amino acid conservation, physicochemical variation, residue mobility, and thermodynamic stability) performed at Invitae indicates that this missense variant is not expected to disrupt COL6A3 protein function with a negative predictive value of 95%. In summary, the available evidence is currently insufficient to determine the role of this variant in disease. Therefore, it has been classified as a Variant of Uncertain Significance.

NM_004369.4(COL6A3):c.563T>C (p.Ile188Thr)

Gene: COL6A3 (collagen type VI alpha 3 chain; minus strand). Cytogenetic location: 2q37.3.
Variant type: single nucleotide variant.
Coding change: c.563T>C on transcript NM_004369.4 (MANE Select); coding-DNA position 563, T replaced by C.
Protein change: p.Ile188Thr; replaces isoleucine 188 with threonine.
Molecular consequence: missense variant. On other transcripts: intron variant (4).
Genome position (GRCh38, 1-based): chr2:237,394,733, A>G on the plus strand (T>C on the coding strand, the complement: COL6A3 is on the minus strand). VCF-style: chr2-237394733-A-G. GRCh37 (hg19) VCF-style: chr2-238303376-A-G.
Other names: c.91+1994T>C (NM_057166.5, NM_057167.4, NM_057164.5 and 1 more transcripts); short protein forms I188T.
Identifiers: ClinVar variation 3018175 (VCV003018175.3), dbSNP rs2078385314, ClinGen allele CA351226766.
Genomic context (GRCh38, chr2:237,394,733, plus strand): 5'-TCATGAAGTGAGGTAAAATTCTCTAGGTTGAACATATGCATATTGAGCGGTTCACTTGCT[A>G]TTTCTTTTAACGCTCCTTCATCTGCATCCTCAACTCCAATTGCAAACACGTTAACATCAG-3'
Protein context (NP_004360.2, residues 178-198): EDADEGALKE[Ile188Thr]ASEPLNMHMF